The following is an entry in ClinVar:

ClinVar aggregate classification (germline): Uncertain significance (1 of 4 stars; one submission).

Conditions:
CHARGE syndrome (CHARGE). Also called: Hittner Hirsch Kreh syndrome; CHARGE ASSOCIATION--COLOBOMA, HEART ANOMALY, CHOANAL ATRESIA, RETARDATION, GENITAL AND EAR ANOMALIES; Coloboma, heart anomaly, choanal atresia, retardation, genital and ear anomalies; CHARGE association; Hall-Hittner syndrome. Identifiers: Orphanet 138, MedGen C0265354, MONDO:0008965.

Allele frequency attached by ClinVar (database versions not stated): TOPMed below 0.00001.
gnomAD v4.1: 2 of 1,613,906 alleles (0.00012%); highest among the groups gnomAD compares: African/African-American, 0.0027%; no homozygotes.

Submission:

Labcorp Genetics (formerly Invitae), Labcorp
Classification: Uncertain significance for CHARGE syndrome. Last evaluated: 2024-03-04. Review status: criteria provided, single submitter. Criteria: Invitae Variant Classification Sherloc (09022015). Collection method: clinical testing. Allele origin: germline.
Comment: This sequence change replaces valine, which is neutral and non-polar, with isoleucine, which is neutral and non-polar, at codon 285 of the CHD7 protein (p.Val285Ile). This variant is not present in population databases (gnomAD no frequency). This variant has not been reported in the literature in individuals affected with CHD7-related conditions. ClinVar contains an entry for this variant (Variation ID: 1982588). Advanced modeling of protein sequence and biophysical properties (such as structural, functional, and spatial information, amino acid conservation, physicochemical variation, residue mobility, and thermodynamic stability) performed at Invitae indicates that this missense variant is not expected to disrupt CHD7 protein function with a negative predictive value of 95%. In summary, the available evidence is currently insufficient to determine the role of this variant in disease. Therefore, it has been classified as a Variant of Uncertain Significance.

NM_017780.4(CHD7):c.853G>A (p.Val285Ile)

Gene: CHD7 (chromodomain helicase DNA binding protein 7; plus strand). Cytogenetic location: 8q12.2.
Variant type: single nucleotide variant.
Coding change: c.853G>A on transcript NM_017780.4 (MANE Select); coding-DNA position 853, G replaced by A.
Protein change: p.Val285Ile; replaces valine 285 with isoleucine.
Molecular consequence: missense variant.
Genome position (GRCh38, 1-based): chr8:60,742,285, G>A. VCF-style: chr8-60742285-G-A. GRCh37 (hg19) VCF-style: chr8-61654844-G-A.
Other names: c.853G>A, p.Val285Ile (NM_001316690.1); short protein forms V285I.
Identifiers: ClinVar variation 1982588 (VCV001982588.4), dbSNP rs1809077601, ClinGen allele CA371299742.